The following is an entry in ClinVar:

ClinVar aggregate classification (germline): Pathogenic/Likely pathogenic. Review status: criteria provided, multiple submitters, no conflicts (2 of 4 stars). 3 submissions from 3 submitters: Pathogenic (1); Likely pathogenic (2). Last evaluated 2024-06-15.

Conditions:
EYS-related disorder. Also called: EYS-related condition.
Retinitis pigmentosa 25 (RP25). Identifiers: Orphanet 791, MedGen C1864446, MONDO:0011272, OMIM 602772.

Allele frequency attached by ClinVar (database versions not stated): gnomAD exomes below 0.00001 and 0.00002; ExAC 0.00002.
gnomAD v4.1: 7 of 1,614,056 alleles (0.00043%); highest among the groups gnomAD compares: Non-Finnish European, 0.00059%; no homozygotes.

Submissions (3):

Fulgent Genetics
Classification: Likely pathogenic for Retinitis pigmentosa 25. Last evaluated: 2024-06-15. Review status: criteria provided, single submitter. Criteria: ACMG Guidelines, 2015. Collection method: clinical testing. Allele origin: germline.

Labcorp Genetics (formerly Invitae), Labcorp
Classification: Pathogenic. Last evaluated: 2024-01-04. Review status: criteria provided, single submitter. Criteria: Invitae Variant Classification Sherloc (09022015). Collection method: clinical testing. Allele origin: germline.
Comment: This sequence change creates a premature translational stop signal (p.Gln171*) in the EYS gene. It is expected to result in an absent or disrupted protein product. Loss-of-function variants in EYS are known to be pathogenic (PMID: 18836446, 20333770). This variant is present in population databases (rs747865323, gnomAD 0.004%). This variant has not been reported in the literature in individuals affected with EYS-related conditions. ClinVar contains an entry for this variant (Variation ID: 1076583). For these reasons, this variant has been classified as Pathogenic.

Blueprint Genetics
Classification: Likely pathogenic for EYS-related disorders. Last evaluated: 2018-02-05. Review status: criteria provided, single submitter. Criteria: ACMG Guidelines, 2015. Collection method: clinical testing. Allele origin: germline. Affected: yes. Observed: 2 variant alleles.

Literature cited by the submitters: PubMed 18836446 (cited by Labcorp Genetics (formerly Invitae), Labcorp); PubMed 20333770 (cited by Labcorp Genetics (formerly Invitae), Labcorp).

NM_001142800.2(EYS):c.511C>T (p.Gln171Ter)

Gene: EYS (EGF-like photoreceptor maintenance factor; minus strand). Cytogenetic location: 6q12.
Variant type: single nucleotide variant.
Coding change: c.511C>T on transcript NM_001142800.2 (MANE Select); coding-DNA position 511, C replaced by T.
Protein change: p.Gln171Ter; replaces glutamine 171 with a stop codon.
Molecular consequence: nonsense.
Genome position (GRCh38, 1-based): chr6:65,494,900, G>A on the plus strand (C>T on the coding strand, the complement: EYS is on the minus strand). VCF-style: chr6-65494900-G-A. GRCh37 (hg19) VCF-style: chr6-66204793-G-A.
Other names: c.511C>T, p.Gln171Ter (NM_001142801.2, NM_001292009.2, NM_198283.2); short protein forms Q171*.
Identifiers: ClinVar variation 1076583 (VCV001076583.9), dbSNP rs747865323, ClinGen allele CA3878062.
Genomic context (GRCh38, chr6:65,494,900, plus strand): 5'-TAAGACATTTACCATGACCAGAGCAAAATTCTGAACTCAGAGATTCCTGGCAGAACTGCT[G>A]TTTCACTGTCACATTTAGTCGAAGTCCCAGTGGACAAGGTGATGGACCACTTGCCATAAC-3'